The following is an entry in ClinVar:

NM_004519.4(KCNQ3):c.173G>A (p.Gly58Glu)

Gene: KCNQ3 (potassium voltage-gated channel subfamily Q member 3; minus strand). Cytogenetic location: 8q24.22.
Variant type: single nucleotide variant.
Coding change: c.173G>A on transcript NM_004519.4 (MANE Select); coding-DNA position 173, G replaced by A.
Protein change: p.Gly58Glu; replaces glycine 58 with glutamic acid.
Molecular consequence: missense variant.
Genome position (GRCh38, 1-based): chr8:132,480,360, C>T on the plus strand (G>A on the coding strand, the complement: KCNQ3 is on the minus strand). VCF-style: chr8-132480360-C-T. GRCh37 (hg19) VCF-style: chr8-133492607-C-T.
Other names: short protein forms G58E.
Identifiers: ClinVar variation 958186 (VCV000958186.9), dbSNP rs1822520136, ClinGen allele CA372292748.

ClinVar aggregate classification (germline): Uncertain significance (1 of 4 stars; one submission).

Conditions:
Benign neonatal seizures. Also called: Benign familial neonatal epilepsy; Convulsions benign familial neonatal dominant form; Autosomal dominant form of benign neonatal seizures; Benign neonatal familial convulsions; Benign familial neonatal seizures. Identifiers: Orphanet 1949, MedGen C0220669, MONDO:0016027.

Submission:

Labcorp Genetics (formerly Invitae), Labcorp
Classification: Uncertain significance for Benign neonatal seizures. Last evaluated: 2019-08-08. Review status: criteria provided, single submitter. Criteria: Invitae Variant Classification Sherloc (09022015). Collection method: clinical testing. Allele origin: germline.
Comment: This sequence change replaces glycine with glutamic acid at codon 58 of the KCNQ3 protein (p.Gly58Glu). The glycine residue is weakly conserved and there is a moderate physicochemical difference between glycine and glutamic acid. This variant is not present in population databases (ExAC no frequency). In summary, the available evidence is currently insufficient to determine the role of this variant in disease. Therefore, it has been classified as a Variant of Uncertain Significance. Algorithms developed to predict the effect of missense changes on protein structure and function are either unavailable or do not agree on the potential impact of this missense change (SIFT: "Deleterious"; PolyPhen-2: "Possibly Damaging"; Align-GVGD: "Class C0"). This variant has not been reported in the literature in individuals with KCNQ3-related conditions.